The following is an entry in ClinVar:

NM_002691.4(POLD1):c.1400A>G (p.Tyr467Cys)

Gene: POLD1 (DNA polymerase delta 1, catalytic subunit; plus strand). Cytogenetic location: 19q13.33.
Variant type: single nucleotide variant.
Coding change: c.1400A>G on transcript NM_002691.4 (MANE Select); coding-DNA position 1400, A replaced by G.
Protein change: p.Tyr467Cys; replaces tyrosine 467 with cysteine.
Molecular consequence: missense variant. On other transcripts: non-coding transcript variant (1).
Genome position (GRCh38, 1-based): chr19:50,406,423, A>G. VCF-style: chr19-50406423-A-G. GRCh37 (hg19) VCF-style: chr19-50909680-A-G.
Other names: c.1400A>G, p.Tyr467Cys (NM_001256849.1, NM_001308632.1); short protein forms Y467C.
Identifiers: ClinVar variation 408103 (VCV000408103.14), dbSNP rs1060501851, ClinGen allele CA16616143.

ClinVar aggregate classification (germline): Conflicting classifications of pathogenicity. Review status: criteria provided, conflicting classifications (1 of 4 stars). 3 submissions from 3 submitters: Uncertain significance (2); Likely benign (1). Last evaluated 2025-09-27.

Conditions:
Hereditary cancer-predisposing syndrome. Also called: Neoplastic Syndromes, Hereditary; Hereditary neoplastic syndrome; Hereditary Cancer Syndrome; Tumor predisposition. Identifiers: Orphanet 140162, MedGen C0027672, MeSH D009386, MONDO:0015356.
POLD1-related polyposis and colorectal cancer syndrome (CRCS10). Also called: Colorectal cancer, susceptibility to, 10; Colorectal cancer 10; COLORECTAL CANCER, SUSCEPTIBILITY TO, ON CHROMOSOME 19q. Identifiers: Orphanet 220460, MedGen C2675481, MONDO:0012953, OMIM 612591.

Allele frequency attached by ClinVar (database versions not stated): gnomAD exomes below 0.00001; TOPMed below 0.00001; gnomAD 0.00001.

Submissions (3):

Labcorp Genetics (formerly Invitae), Labcorp
Classification: Uncertain significance for POLD1-related polyposis and colorectal cancer syndrome. Last evaluated: 2025-09-27. Review status: criteria provided, single submitter. Criteria: Invitae Variant Classification Sherloc (09022015). Collection method: clinical testing. Allele origin: germline.
Comment: This sequence change replaces tyrosine, which is neutral and polar, with cysteine, which is neutral and slightly polar, at codon 467 of the POLD1 protein (p.Tyr467Cys). The frequency data for this variant in the population databases is considered unreliable, as metrics indicate poor data quality at this position in the gnomAD database. This variant has not been reported in the literature in individuals affected with POLD1-related conditions. ClinVar contains an entry for this variant (Variation ID: 408103). Invitae Evidence Modeling of protein sequence and biophysical properties (such as structural, functional, and spatial information, amino acid conservation, physicochemical variation, residue mobility, and thermodynamic stability) indicates that this missense variant is not expected to disrupt POLD1 protein function with a negative predictive value of 80%. In summary, the available evidence is currently insufficient to determine the role of this variant in disease. Therefore, it has been classified as a Variant of Uncertain Significance.

Ambry Genetics
Classification: Likely benign for Hereditary cancer-predisposing syndrome. Last evaluated: 2025-02-10. Review status: criteria provided, single submitter. Criteria: Ambry Variant Classification Scheme 2023. Collection method: clinical testing. Allele origin: germline.

GeneDx
Classification: Uncertain significance. Last evaluated: 2021-09-27. Review status: criteria provided, single submitter. Criteria: GeneDx Variant Classification Process June 2021. Collection method: clinical testing. Allele origin: germline. Affected: yes.
Comment: Not observed at a significant frequency in large population cohorts (Lek 2016); In silico analysis supports that this missense variant has a deleterious effect on protein structure/function; Has not been previously published as pathogenic or benign to our knowledge; This variant is associated with the following publications: (PMID: 20951805)